The following is an entry in ClinVar:

ClinVar aggregate classification (germline): Uncertain significance (1 of 4 stars; one submission).

Submission:

Labcorp Genetics (formerly Invitae), Labcorp
Classification: Uncertain significance. Last evaluated: 2021-11-26. Review status: criteria provided, single submitter. Criteria: Invitae Variant Classification Sherloc (09022015). Collection method: clinical testing. Allele origin: germline.
Comment: This sequence change replaces cysteine, which is neutral and slightly polar, with tyrosine, which is neutral and polar, at codon 405 of the RASA2 protein (p.Cys405Tyr). This variant is not present in population databases (gnomAD no frequency). This variant has not been reported in the literature in individuals affected with RASA2-related conditions. Algorithms developed to predict the effect of missense changes on protein structure and function are either unavailable or do not agree on the potential impact of this missense change (SIFT: "Tolerated"; PolyPhen-2: "Probably Damaging"; Align-GVGD: "Class C0"). In summary, the available evidence is currently insufficient to determine the role of this variant in disease. Therefore, it has been classified as a Variant of Uncertain Significance.

NM_006506.5(RASA2):c.1214G>A (p.Cys405Tyr)

Gene: RASA2 (RAS p21 protein activator 2; plus strand). Cytogenetic location: 3q23.
Variant type: single nucleotide variant.
Coding change: c.1214G>A on transcript NM_006506.5 (MANE Select); coding-DNA position 1214, G replaced by A.
Protein change: p.Cys405Tyr; replaces cysteine 405 with tyrosine.
Molecular consequence: missense variant.
Genome position (GRCh38, 1-based): chr3:141,572,653, G>A. VCF-style: chr3-141572653-G-A. GRCh37 (hg19) VCF-style: chr3-141291495-G-A.
Other names: c.1214G>A, p.Cys405Tyr (NM_001303245.3, NM_001303246.3); short protein forms C405Y.
Identifiers: ClinVar variation 1395154 (VCV001395154.6), dbSNP rs2151130944, ClinGen allele CA354777507.